The following is an entry in ClinVar:

ClinVar aggregate classification (germline): Uncertain significance. Review status: criteria provided, multiple submitters, no conflicts (2 of 4 stars). 3 submissions from 3 submitters: Uncertain significance (3). Last evaluated 2022-08-17.

Conditions:
Corneal dystrophy. Identifiers: Orphanet 34533, MedGen C0010036, MONDO:0018102, HP:0001131.
Corneal dystrophy-perceptive deafness syndrome (CDPD). Also called: CORNEAL DYSTROPHY AND SENSORINEURAL DEAFNESS; HARBOYAN SYNDROME. Identifiers: Orphanet 1490, MedGen C1857572, MONDO:0009015, OMIM 217400.
Corneal dystrophy, Fuchs endothelial, 4 (FECD4). Identifiers: Orphanet 98974, MedGen C2750450, MONDO:0013204, OMIM 613268.
Congenital hereditary endothelial dystrophy of cornea. Also called: CORNEAL DYSTROPHY, CONGENITAL HEREDITARY ENDOTHELIAL; Congenital hereditary endothelial dystrophy of the cornea; Maumenee corneal dystrophy; Corneal endothelial dystrophy, autosomal recessive; Congenital hereditary endothelial dystrophy type II. Identifiers: Orphanet 293603, MedGen C1857569, MONDO:0009019, OMIM 217700.

Allele frequency attached by ClinVar (database versions not stated): TOPMed 0.00001; gnomAD exomes 0.00002; gnomAD 0.00003; 1000 Genomes Project 30x 0.00016; 1000 Genomes Project 0.00020.
gnomAD v4.1: 29 of 1,613,812 alleles (0.0018%); highest among the groups gnomAD compares: South Asian, 0.0044%; no homozygotes.

Submissions (3):

Department of Pathology and Laboratory Medicine, Sinai Health System
Classification: Uncertain significance for Corneal dystrophy-perceptive deafness syndrome; Congenital hereditary endothelial dystrophy of cornea; Corneal dystrophy, Fuchs endothelial, 4. Last evaluated: 2022-08-17. Review status: criteria provided, single submitter. Criteria: ACMG Guidelines, 2015. Collection method: research. Allele origin: germline.

Labcorp Genetics (formerly Invitae), Labcorp
Classification: Uncertain significance. Last evaluated: 2021-09-01. Review status: criteria provided, single submitter. Criteria: Invitae Variant Classification Sherloc (09022015). Collection method: clinical testing. Allele origin: germline.
Comment: This sequence change replaces glycine with arginine at codon 403 of the SLC4A11 protein (p.Gly403Arg). The glycine residue is highly conserved and there is a moderate physicochemical difference between glycine and arginine. This variant is not present in population databases (ExAC no frequency). This variant has not been reported in the literature in individuals affected with SLC4A11-related conditions. ClinVar contains an entry for this variant (Variation ID: 338249). Algorithms developed to predict the effect of missense changes on protein structure and function are either unavailable or do not agree on the potential impact of this missense change (SIFT: "Deleterious"; PolyPhen-2: "Probably Damaging"; Align-GVGD: "Class C0"). In summary, the available evidence is currently insufficient to determine the role of this variant in disease. Therefore, it has been classified as a Variant of Uncertain Significance.

Illumina Laboratory Services, Illumina
Classification: Uncertain significance for Corneal dystrophy. Last evaluated: 2018-01-13. Review status: criteria provided, single submitter. Criteria: ICSL Variant Classification Criteria 13 December 2019. Collection method: clinical testing. Allele origin: germline.

NM_001174089.2(SLC4A11):c.1159G>A (p.Gly387Arg)

Gene: SLC4A11 (solute carrier family 4 member 11; minus strand). Cytogenetic location: 20p13.
Variant type: single nucleotide variant.
Coding change: c.1159G>A on transcript NM_001174089.2 (MANE Select); coding-DNA position 1159, G replaced by A.
Protein change: p.Gly387Arg; replaces glycine 387 with arginine.
Molecular consequence: missense variant. On other transcripts: non-coding transcript variant (1).
Genome position (GRCh38, 1-based): chr20:3,230,942, C>T on the plus strand (G>A on the coding strand, the complement: SLC4A11 is on the minus strand). VCF-style: chr20-3230942-C-T. GRCh37 (hg19) VCF-style: chr20-3211588-C-T.
Other names: c.1288G>A, p.Gly430Arg (NM_001174090.2); c.1159G>A, p.Gly387Arg (NM_001363745.2); c.1207G>A, p.Gly403Arg (NM_032034.4); short protein forms G387R, G403R, G430R.
Identifiers: ClinVar variation 338249 (VCV000338249.10), dbSNP rs532348574, ClinGen allele CA10652429.